The following is an entry in ClinVar:

ClinVar aggregate classification (germline): Uncertain significance (1 of 4 stars; one submission).

Conditions:
Progressive sclerosing poliodystrophy (MTDPS4A). Also called: ALPERS PROGRESSIVE INFANTILE POLIODYSTROPHY; NEURONAL DEGENERATION OF CHILDHOOD WITH LIVER DISEASE, PROGRESSIVE; Mitochondrial DNA depletion syndrome 4A (Alpers type); Alpers Syndrome; ALPERS DIFFUSE DEGENERATION OF CEREBRAL GRAY MATTER WITH HEPATIC CIRRHOSIS; Alpers-Huttenlocher Syndrome. Identifiers: Orphanet 726, MedGen C0205710, MONDO:0008758, OMIM 203700.

gnomAD v4.1: 3 of 1,613,976 alleles (0.00019%); highest among the groups gnomAD compares: Non-Finnish European, 0.00025%; no homozygotes.

Submission:

Labcorp Genetics (formerly Invitae), Labcorp
Classification: Uncertain significance for Progressive sclerosing poliodystrophy. Last evaluated: 2023-06-10. Review status: criteria provided, single submitter. Criteria: Invitae Variant Classification Sherloc (09022015). Collection method: clinical testing. Allele origin: germline.
Comment: In summary, the available evidence is currently insufficient to determine the role of this variant in disease. Therefore, it has been classified as a Variant of Uncertain Significance. Advanced modeling of protein sequence and biophysical properties (such as structural, functional, and spatial information, amino acid conservation, physicochemical variation, residue mobility, and thermodynamic stability) performed at Invitae indicates that this missense variant is expected to disrupt POLG protein function. This variant has not been reported in the literature in individuals affected with POLG-related conditions. This variant is not present in population databases (gnomAD no frequency). This sequence change replaces arginine, which is basic and polar, with leucine, which is neutral and non-polar, at codon 562 of the POLG protein (p.Arg562Leu).

NM_002693.3(POLG):c.1685G>T (p.Arg562Leu)

Gene: POLG (DNA polymerase gamma, catalytic subunit; minus strand). Cytogenetic location: 15q26.1.
Variant type: single nucleotide variant.
Coding change: c.1685G>T on transcript NM_002693.3 (MANE Select); coding-DNA position 1685, G replaced by T.
Protein change: p.Arg562Leu; replaces arginine 562 with leucine.
Molecular consequence: missense variant.
Genome position (GRCh38, 1-based): chr15:89,326,639, C>A on the plus strand (G>T on the coding strand, the complement: POLG is on the minus strand). VCF-style: chr15-89326639-C-A. GRCh37 (hg19) VCF-style: chr15-89869870-C-A.
Other names: c.1685G>T, p.Arg562Leu (NM_001126131.2); short protein forms R562L.
Identifiers: ClinVar variation 2908010 (VCV002908010.3), dbSNP rs781168350, ClinGen allele CA393760474.